The following is an entry in ClinVar:

NM_025074.7(FRAS1):c.2776del (p.Arg926fs)

Gene: FRAS1 (Fraser extracellular matrix complex subunit 1; plus strand). Cytogenetic location: 4q21.21.
Variant type: Deletion.
Coding change: c.2776del on transcript NM_025074.7 (MANE Select); coding-DNA position 2776, one base deleted (C; older notation c.2776delC).
Protein change: p.Arg926fs; shifts the reading frame from arginine 926.
Molecular consequence: frameshift variant.
Genome position (GRCh38, 1-based): chr4:78,369,891, C deleted; the last of 2 consecutive C bases (chr4:78,369,890-78,369,891); deleting either gives the same sequence. VCF-style (leftmost placement, unchanged base first): chr4-78369889-GC-G. GRCh37 (hg19) VCF-style: chr4-79291043-GC-G.
Other names: c.2776del, p.Arg926fs (NM_001166133.2); short protein forms R926fs.
Identifiers: ClinVar variation 2033220 (VCV002033220.4), dbSNP rs2476884261, ClinGen allele CA2580071813.

ClinVar aggregate classification (germline): Pathogenic (1 of 4 stars; one submission).

Submission:

Labcorp Genetics (formerly Invitae), Labcorp
Classification: Pathogenic. Last evaluated: 2022-09-28. Review status: criteria provided, single submitter. Criteria: Invitae Variant Classification Sherloc (09022015). Collection method: clinical testing. Allele origin: germline.
Comment: For these reasons, this variant has been classified as Pathogenic. This variant has not been reported in the literature in individuals affected with FRAS1-related conditions. This variant is not present in population databases (gnomAD no frequency). This sequence change creates a premature translational stop signal (p.Arg926Glufs*44) in the FRAS1 gene. It is expected to result in an absent or disrupted protein product. Loss-of-function variants in FRAS1 are known to be pathogenic (PMID: 12766769, 18671281).

Literature cited by the submitters: PubMed 12766769; PubMed 18671281.